The following is an entry in ClinVar:

ClinVar aggregate classification (germline): Conflicting classifications of pathogenicity. Review status: criteria provided, conflicting classifications (1 of 4 stars). 2 submissions from 2 submitters: Likely pathogenic (1); Uncertain significance (1). Last evaluated 2022-11-29.

Submissions (2):

Labcorp Genetics (formerly Invitae), Labcorp
Classification: Likely pathogenic. Last evaluated: 2022-11-29. Review status: criteria provided, single submitter. Criteria: Invitae Variant Classification Sherloc (09022015). Collection method: clinical testing. Allele origin: germline.
Comment: In summary, the currently available evidence indicates that the variant is pathogenic, but additional data are needed to prove that conclusively. Therefore, this variant has been classified as Likely Pathogenic. This variant disrupts the p.Gly3895 amino acid residue in USH2A. Other variant(s) that disrupt this residue have been observed in individuals with USH2A-related conditions (PMID: 17405132; Invitae), which suggests that this may be a clinically significant amino acid residue. Advanced modeling of protein sequence and biophysical properties (such as structural, functional, and spatial information, amino acid conservation, physicochemical variation, residue mobility, and thermodynamic stability) performed at Invitae indicates that this missense variant is expected to disrupt USH2A protein function. This missense change has been observed in individual(s) with retinitis pigmentosa (PMID: 32188678). This variant is not present in population databases (gnomAD no frequency). This sequence change replaces glycine, which is neutral and non-polar, with arginine, which is basic and polar, at codon 3895 of the USH2A protein (p.Gly3895Arg).

Blueprint Genetics
Classification: Uncertain significance. Last evaluated: 2019-09-25. Review status: criteria provided, single submitter. Criteria: ACMG Guidelines, 2015. Collection method: clinical testing. Allele origin: germline.

Literature cited by the submitters: PubMed 17405132 (cited by Labcorp Genetics (formerly Invitae), Labcorp); PubMed 32188678 (cited by Labcorp Genetics (formerly Invitae), Labcorp).

NM_206933.4(USH2A):c.11683G>A (p.Gly3895Arg)

Gene: USH2A (usherin; minus strand). Cytogenetic location: 1q41.
Variant type: single nucleotide variant.
Coding change: c.11683G>A on transcript NM_206933.4 (MANE Select); coding-DNA position 11683, G replaced by A.
Protein change: p.Gly3895Arg; replaces glycine 3895 with arginine.
Molecular consequence: missense variant.
Genome position (GRCh38, 1-based): chr1:215,741,403, C>T on the plus strand (G>A on the coding strand, the complement: USH2A is on the minus strand). VCF-style: chr1-215741403-C-T. GRCh37 (hg19) VCF-style: chr1-215914745-C-T.
Other names: short protein forms G3895R.
Identifiers: ClinVar variation 1916209 (VCV001916209.6), dbSNP rs2465067498, ClinGen allele CA344833322.
Genomic context (GRCh38, chr1:215,741,403, plus strand): 5'-TAACTAAAAATAATAGTAACAGCCAATCTTACCTGTAAATAAAGTAGTTGATGATGATTC[C>T]ATTTGGTTTTTCAGGTGGCATCCACTTAATCTCTATGCAAGCTGACCCCAGTGCCTTAAG-3'
Protein context (NP_996816.3, residues 3885-3905): IKWMPPEKPN[Gly3895Arg]IIINYFIYRR